The following is an entry in ClinVar:

NM_001253697.2(ERBIN):c.3400A>G (p.Ile1134Val)

Gene: ERBIN (erbb2 interacting protein; plus strand). Cytogenetic location: 5q12.3.
Variant type: single nucleotide variant.
Coding change: c.3400A>G on transcript NM_001253697.2 (MANE Select); coding-DNA position 3400, A replaced by G.
Protein change: p.Ile1134Val; replaces isoleucine 1134 with valine.
Molecular consequence: missense variant.
Genome position (GRCh38, 1-based): chr5:66,054,718, A>G. VCF-style: chr5-66054718-A-G. GRCh37 (hg19) VCF-style: chr5-65350546-A-G.
Other names: c.3400A>G, p.Ile1134Val (NM_001006600.3, NM_001253698.2, NM_001253699.2 and 1 more transcripts); c.3388A>G, p.Ile1130Val (NM_001253701.2); short protein forms I1130V, I1134V.
Identifiers: ClinVar variation 1361355 (VCV001361355.8), dbSNP rs1759422081, ClinGen allele CA359869753.

ClinVar aggregate classification (germline): Uncertain significance (1 of 4 stars; one submission).

Allele frequency attached by ClinVar (database versions not stated): TOPMed below 0.00001.
gnomAD v4.1: 1 of 1,614,172 alleles (0.000062%); highest among the groups gnomAD compares: Non-Finnish European, 0.000085%; no homozygotes.

Submission:

Labcorp Genetics (formerly Invitae), Labcorp
Classification: Uncertain significance. Last evaluated: 2023-08-04. Review status: criteria provided, single submitter. Criteria: Invitae Variant Classification Sherloc (09022015). Collection method: clinical testing. Allele origin: germline.
Comment: ClinVar contains an entry for this variant (Variation ID: 1361355). Algorithms developed to predict the effect of missense changes on protein structure and function output the following: SIFT: "Not Available"; PolyPhen-2: "Benign"; Align-GVGD: "Not Available". The valine amino acid residue is found in multiple mammalian species, which suggests that this missense change does not adversely affect protein function. This variant has not been reported in the literature in individuals affected with ERBIN-related conditions. This variant is not present in population databases (gnomAD no frequency). This sequence change replaces isoleucine, which is neutral and non-polar, with valine, which is neutral and non-polar, at codon 1134 of the ERBIN protein (p.Ile1134Val). In summary, the available evidence is currently insufficient to determine the role of this variant in disease. Therefore, it has been classified as a Variant of Uncertain Significance.